The following is an entry in ClinVar:

ClinVar aggregate classification (germline): Uncertain significance. Review status: criteria provided, multiple submitters, no conflicts (2 of 4 stars). 2 submissions from 2 submitters: Uncertain significance (2). Last evaluated 2024-07-12.

gnomAD v4.1: 24 of 1,613,632 alleles (0.0015%); highest among the groups gnomAD compares: South Asian, 0.0022%; no homozygotes.

Submissions (2):

Labcorp Genetics (formerly Invitae), Labcorp
Classification: Uncertain significance. Last evaluated: 2024-07-12. Review status: criteria provided, single submitter. Criteria: Invitae Variant Classification Sherloc (09022015). Collection method: clinical testing. Allele origin: germline.
Comment: This sequence change replaces arginine, which is basic and polar, with histidine, which is basic and polar, at codon 185 of the HMOX1 protein (p.Arg185His). This variant is present in population databases (no rsID available, gnomAD 0.01%). This variant has not been reported in the literature in individuals affected with HMOX1-related conditions. ClinVar contains an entry for this variant (Variation ID: 1392119). An algorithm developed to predict the effect of missense changes on protein structure and function (PolyPhen-2) suggests that this variant is likely to be disruptive. In summary, the available evidence is currently insufficient to determine the role of this variant in disease. Therefore, it has been classified as a Variant of Uncertain Significance.

Ambry Genetics
Classification: Uncertain significance. Last evaluated: 2023-04-07. Review status: criteria provided, single submitter. Criteria: Ambry Variant Classification Scheme 2023. Collection method: clinical testing. Allele origin: germline.

NM_002133.3(HMOX1):c.554G>A (p.Arg185His)

Gene: HMOX1 (heme oxygenase 1; plus strand). Cytogenetic location: 22q12.3.
Variant type: single nucleotide variant.
Coding change: c.554G>A on transcript NM_002133.3 (MANE Select); coding-DNA position 554, G replaced by A.
Protein change: p.Arg185His; replaces arginine 185 with histidine.
Molecular consequence: missense variant.
Genome position (GRCh38, 1-based): chr22:35,387,094, G>A. VCF-style: chr22-35387094-G-A. GRCh37 (hg19) VCF-style: chr22-35783087-G-A.
Other names: c.554G>A (NM_002133.2); short protein forms R185H.
Identifiers: ClinVar variation 1392119 (VCV001392119.8), dbSNP rs867650379, ClinGen allele CA323522058.